The following is an entry in ClinVar:

ClinVar aggregate classification (germline): Uncertain significance (1 of 4 stars; one submission).

gnomAD v4.1: 1 of 1,608,424 alleles (0.000062%); highest among the groups gnomAD compares: Non-Finnish European, 0.000085%; no homozygotes.

Submission:

GeneDx
Classification: Uncertain significance. Last evaluated: 2023-06-29. Review status: criteria provided, single submitter. Criteria: GeneDx Variant Classification Process June 2021. Collection method: clinical testing. Allele origin: germline. Affected: yes.
Comment: Not observed at significant frequency in large population cohorts (gnomAD); In silico analysis supports that this missense variant has a deleterious effect on protein structure/function; Has not been previously published as pathogenic or benign to our knowledge

NM_024496.4(IRF2BPL):c.1852C>A (p.Gln618Lys)

Gene: IRF2BPL (interferon regulatory factor 2 binding protein like; minus strand). Cytogenetic location: 14q24.3.
Variant type: single nucleotide variant.
Coding change: c.1852C>A on transcript NM_024496.4 (MANE Select); coding-DNA position 1852, C replaced by A.
Protein change: p.Gln618Lys; replaces glutamine 618 with lysine.
Molecular consequence: missense variant.
Genome position (GRCh38, 1-based): chr14:77,025,941, G>T on the plus strand (C>A on the coding strand, the complement: IRF2BPL is on the minus strand). VCF-style: chr14-77025941-G-T. GRCh37 (hg19) VCF-style: chr14-77492284-G-T.
Other names: short protein forms Q618K.
Identifiers: ClinVar variation 3360660 (VCV003360660.1).